The following is an entry in ClinVar:

ClinVar aggregate classification (germline): Pathogenic (1 of 4 stars; one submission).

Submission:

GeneDx
Classification: Pathogenic. Last evaluated: 2024-09-24. Review status: criteria provided, single submitter. Criteria: GeneDx Variant Classification Process June 2021. Collection method: clinical testing. Allele origin: germline. Affected: yes.
Comment: Canonical splice site variant predicted to result in a null allele in a gene for which loss of function is a known mechanism of disease; Not observed at significant frequency in large population cohorts (gnomAD); This variant is associated with the following publications: (PMID: 25525159, 31131953, 29510240, 16221952)

NM_002547.3(OPHN1):c.154+2T>C

Gene: OPHN1 (oligophrenin 1; minus strand). Cytogenetic location: Xq12.
Variant type: single nucleotide variant.
Coding change: c.154+2T>C on transcript NM_002547.3 (MANE Select); the canonical splice donor site of the intron after coding-DNA position 154, T replaced by C.
Molecular consequence: splice donor variant.
Genome position (GRCh38, 1-based): chrX:68,432,865, A>G on the plus strand (T>C on the coding strand, the complement: OPHN1 is on the minus strand). VCF-style: chrX-68432865-A-G. GRCh37 (hg19) VCF-style: chrX-67652707-A-G.
Identifiers: ClinVar variation 3773923 (VCV003773923.1).
Genomic context (GRCh38, chrX:68,432,865, plus strand): 5'-GAAAGGCTTAAAGGCCAGACACACCAGCTCAGAGAAACAGCTCATCGAAGCCTTGCACTT[A>G]CTTCTCATAGCGCTGATAAGCGCGTTGCCGTCTTTGATTACGTCTTTGATGAATTTGTTG-3'